The following is an entry in ClinVar:

NM_000350.3(ABCA4):c.758T>C (p.Leu253Pro)

Gene: ABCA4 (ATP binding cassette subfamily A member 4; minus strand). Cytogenetic location: 1p22.1.
Variant type: single nucleotide variant.
Coding change: c.758T>C on transcript NM_000350.3 (MANE Select); coding-DNA position 758, T replaced by C.
Protein change: p.Leu253Pro; replaces leucine 253 with proline.
Molecular consequence: missense variant.
Genome position (GRCh38, 1-based): chr1:94,098,804, A>G on the plus strand (T>C on the coding strand, the complement: ABCA4 is on the minus strand). VCF-style: chr1-94098804-A-G. GRCh37 (hg19) VCF-style: chr1-94564360-A-G.
Other names: c.758T>C, p.Leu253Pro (NM_001425324.1); short protein forms L253P.
Identifiers: ClinVar variation 2757818 (VCV002757818.3), dbSNP rs2101135424, ClinGen allele CA341288784.
Genomic context (GRCh38, chr1:94,098,804, plus strand): 5'-TACCCCAGGAATCACCTTGCAATTGGCGAGCAGCCAAACCCCTCCCTTACCACACGGAAG[A>G]GCTTGAAGAAGTCCACGTTGGCATACAGAGTGTCTTCTATCCACTGTAGGGTGCCCTGGG-3'
Protein context (NP_000341.2, residues 243-263): TLYANVDFFK[Leu253Pro]FRVLPTLLDS

ClinVar aggregate classification (germline): Uncertain significance (1 of 4 stars; one submission).

Submission:

Labcorp Genetics (formerly Invitae), Labcorp
Classification: Uncertain significance. Last evaluated: 2023-09-10. Review status: criteria provided, single submitter. Criteria: Invitae Variant Classification Sherloc (09022015). Collection method: clinical testing. Allele origin: germline.
Comment: In summary, the available evidence is currently insufficient to determine the role of this variant in disease. Therefore, it has been classified as a Variant of Uncertain Significance. This sequence change replaces leucine, which is neutral and non-polar, with proline, which is neutral and non-polar, at codon 253 of the ABCA4 protein (p.Leu253Pro). This variant is not present in population databases (gnomAD no frequency). This variant has not been reported in the literature in individuals affected with ABCA4-related conditions. Advanced modeling of protein sequence and biophysical properties (such as structural, functional, and spatial information, amino acid conservation, physicochemical variation, residue mobility, and thermodynamic stability) performed at Invitae indicates that this missense variant is expected to disrupt ABCA4 protein function.